The following is an entry in ClinVar:

ClinVar aggregate classification (germline): Uncertain significance (1 of 4 stars; one submission).

Conditions:
Intellectual developmental disorder, X-linked, syndromic, Hedera type. Also called: Syndromic X-linked intellectual disability Hedera type. Identifiers: Orphanet 93952, MedGen C1845543, MONDO:0010319, OMIM 300423.

Submission:

Labcorp Genetics (formerly Invitae), Labcorp
Classification: Uncertain significance for Intellectual developmental disorder, X-linked, syndromic, Hedera type. Last evaluated: 2024-03-02. Review status: criteria provided, single submitter. Criteria: Invitae Variant Classification Sherloc (09022015). Collection method: clinical testing. Allele origin: germline.
Comment: This sequence change replaces arginine, which is basic and polar, with glycine, which is neutral and non-polar, at codon 278 of the ATP6AP2 protein (p.Arg278Gly). This variant is not present in population databases (gnomAD no frequency). This variant has not been reported in the literature in individuals affected with ATP6AP2-related conditions. Advanced modeling of protein sequence and biophysical properties (such as structural, functional, and spatial information, amino acid conservation, physicochemical variation, residue mobility, and thermodynamic stability) performed at Invitae indicates that this missense variant is expected to disrupt ATP6AP2 protein function with a positive predictive value of 80%. In summary, the available evidence is currently insufficient to determine the role of this variant in disease. Therefore, it has been classified as a Variant of Uncertain Significance.

NM_005765.3(ATP6AP2):c.832A>G (p.Arg278Gly)

Gene: ATP6AP2 (ATPase H+ transporting accessory protein 2; plus strand). Cytogenetic location: Xp11.4.
Variant type: single nucleotide variant.
Coding change: c.832A>G on transcript NM_005765.3 (MANE Select); coding-DNA position 832, A replaced by G.
Protein change: p.Arg278Gly; replaces arginine 278 with glycine.
Molecular consequence: missense variant.
Genome position (GRCh38, 1-based): chrX:40,600,855, A>G. VCF-style: chrX-40600855-A-G. GRCh37 (hg19) VCF-style: chrX-40460107-A-G.
Other names: short protein forms R278G.
Identifiers: ClinVar variation 3692538 (VCV003692538.2).